The following is an entry in ClinVar:

ClinVar aggregate classification (germline): Uncertain significance. Review status: criteria provided, multiple submitters, no conflicts (2 of 4 stars). 2 submissions from 2 submitters: Uncertain significance (2). Last evaluated 2023-11-10.

Conditions:
Hereditary cancer-predisposing syndrome. Also called: Tumor predisposition; Neoplastic Syndromes, Hereditary; Hereditary Cancer Syndrome; Hereditary neoplastic syndrome. Identifiers: Orphanet 140162, MedGen C0027672, MeSH D009386, MONDO:0015356.

Allele frequency attached by ClinVar (database versions not stated): gnomAD exomes below 0.00001.
gnomAD v4.1: 1 of 1,614,026 alleles (0.000062%); highest among the groups gnomAD compares: Non-Finnish European, 0.000085%; no homozygotes.

Submissions (2):

Ambry Genetics
Classification: Uncertain significance for Hereditary cancer-predisposing syndrome. Last evaluated: 2023-11-10. Review status: criteria provided, single submitter. Criteria: Ambry Variant Classification Scheme 2023. Collection method: clinical testing. Allele origin: germline.
Comment: The p.D194G variant (also known as c.581A>G), located in coding exon 4 of the MSH3 gene, results from an A to G substitution at nucleotide position 581. The aspartic acid at codon 194 is replaced by glycine, an amino acid with similar properties. This amino acid position is conserved. In addition, this alteration is predicted to be tolerated by in silico analysis. Since supporting evidence is limited at this time, the clinical significance of this alteration remains unclear.

Labcorp Genetics (formerly Invitae), Labcorp
Classification: Uncertain significance. Last evaluated: 2023-07-16. Review status: criteria provided, single submitter. Criteria: Invitae Variant Classification Sherloc (09022015). Collection method: clinical testing. Allele origin: germline.
Comment: In summary, the available evidence is currently insufficient to determine the role of this variant in disease. Therefore, it has been classified as a Variant of Uncertain Significance. Algorithms developed to predict the effect of missense changes on protein structure and function output the following: SIFT: "Not Available"; PolyPhen-2: "Benign"; Align-GVGD: "Not Available". The glycine amino acid residue is found in multiple mammalian species, which suggests that this missense change does not adversely affect protein function. ClinVar contains an entry for this variant (Variation ID: 1385197). This variant has not been reported in the literature in individuals affected with MSH3-related conditions. This variant is not present in population databases (gnomAD no frequency). This sequence change replaces aspartic acid, which is acidic and polar, with glycine, which is neutral and non-polar, at codon 194 of the MSH3 protein (p.Asp194Gly).

NM_002439.5(MSH3):c.581A>G (p.Asp194Gly)

Gene: MSH3 (mutS homolog 3; plus strand). Cytogenetic location: 5q14.1.
Variant type: single nucleotide variant.
Coding change: c.581A>G on transcript NM_002439.5 (MANE Select); coding-DNA position 581, A replaced by G.
Protein change: p.Asp194Gly; replaces aspartic acid 194 with glycine.
Molecular consequence: missense variant.
Genome position (GRCh38, 1-based): chr5:80,670,098, A>G. VCF-style: chr5-80670098-A-G. GRCh37 (hg19) VCF-style: chr5-79965917-A-G.
Other names: c.581A>G (NM_002439.3); short protein forms D194G.
Identifiers: ClinVar variation 1385197 (VCV001385197.7), dbSNP rs1580550073, ClinGen allele CA360265857.